The following is an entry in ClinVar:

ClinVar aggregate classification (germline): Likely benign (1 of 4 stars; one submission).

Submission:

CeGaT Center for Human Genetics Tuebingen
Classification: Likely benign. Last evaluated: 2025-03-01. Review status: criteria provided, single submitter. Criteria: CeGaT Center For Human Genetics Tuebingen Variant Classification Criteria Version 2. Collection method: clinical testing. Allele origin: germline. Affected: yes. Observed: 1 variant allele.
Comment: KMT2D: PM2:Supporting, BP4, BP7

NM_003482.4(KMT2D):c.519C>G (p.Ser173=)

Gene: KMT2D (lysine methyltransferase 2D; minus strand). Cytogenetic location: 12q13.12.
Variant type: single nucleotide variant.
Coding change: c.519C>G on transcript NM_003482.4 (MANE Select); coding-DNA position 519, C replaced by G.
Protein change: p.Ser173=; no amino-acid change (serine 173 retained).
Molecular consequence: synonymous variant.
Genome position (GRCh38, 1-based): chr12:49,054,132, G>C on the plus strand (C>G on the coding strand, the complement: KMT2D is on the minus strand). VCF-style: chr12-49054132-G-C. GRCh37 (hg19) VCF-style: chr12-49447915-G-C.
Identifiers: ClinVar variation 3778549 (VCV003778549.7).